The following is an entry in ClinVar:

ClinVar aggregate classification (germline): Likely benign. Review status: criteria provided, multiple submitters, no conflicts (2 of 4 stars). 5 submissions from 5 submitters: Likely benign (4). 1 of the submissions does not count toward it. Last evaluated 2025-12-03.

Conditions:
FANCM-related disorder. Also called: FANCM-related condition.
Inborn genetic diseases. Identifiers: MedGen C0950123, MeSH D030342.
Fanconi anemia (FA). Also called: Fanconi's anemia. Identifiers: Orphanet 84, MedGen C0015625, MeSH D005199, MONDO:0019391.

Allele frequency attached by ClinVar (database versions not stated): gnomAD exomes below 0.00001; gnomAD 0.00002 and 0.00003; TOPMed 0.00002.
gnomAD v4.1: 16 of 1,563,700 alleles (0.001%); highest among the groups gnomAD compares: African/African-American, 0.0028%; 2 homozygotes.

Submissions (5):

Labcorp Genetics (formerly Invitae), Labcorp
Classification: Likely benign for Fanconi anemia. Last evaluated: 2025-12-03. Review status: criteria provided, single submitter. Criteria: Invitae Variant Classification Sherloc (09022015). Collection method: clinical testing. Allele origin: germline.

Ambry Genetics
Classification: Likely benign for Inborn genetic diseases. Last evaluated: 2024-11-22. Review status: criteria provided, single submitter. Criteria: Ambry Variant Classification Scheme 2023. Collection method: clinical testing. Allele origin: germline.

Blueprint Genetics
Classification: Likely benign. Last evaluated: 2024-10-21. Review status: criteria provided, single submitter. Criteria: ACMG Guidelines, 2015. Collection method: clinical testing. Allele origin: germline.

GeneDx
Classification: Likely benign. Last evaluated: 2019-11-11. Review status: criteria provided, single submitter. Criteria: GeneDx Variant Classification Process June 2021. Collection method: clinical testing. Allele origin: germline. Affected: yes.

PreventionGenetics, part of Exact Sciences
Classification: Likely benign for FANCM-related condition. Last evaluated: 2022-05-02. Review status: no assertion criteria provided. Collection method: clinical testing. Allele origin: germline. Not counted in ClinVar's aggregate classification.
Comment: This variant is classified as likely benign based on ACMG/AMP sequence variant interpretation guidelines (Richards et al. 2015 PMID: 25741868, with internal and published modifications).

NM_020937.4(FANCM):c.2628T>C (p.Asp876=)

Gene: FANCM (FA complementation group M; plus strand). Cytogenetic location: 14q21.2.
Variant type: single nucleotide variant.
Coding change: c.2628T>C on transcript NM_020937.4 (MANE Select); coding-DNA position 2628, T replaced by C.
Protein change: p.Asp876=; no amino-acid change (aspartic acid 876 retained).
Molecular consequence: synonymous variant.
Genome position (GRCh38, 1-based): chr14:45,175,382, T>C. VCF-style: chr14-45175382-T-C. GRCh37 (hg19) VCF-style: chr14-45644585-T-C.
Other names: c.2628T>C (LRG_502t1, NM_020937.3); c.2550T>C, p.Asp850= (NM_001308133.2).
Identifiers: ClinVar variation 456260 (VCV000456260.18), dbSNP rs374313777, ClinGen allele CA259627820.
Genomic context (GRCh38, chr14:45,175,382, plus strand): 5'-AGTGTCTAAAGAAATAAAAAAAGATCAGCTTAAAAAAGAAAATAATCACGGTATTATAGA[T>C]TCTGTAGATAATGACAGAAATTCCACTGTTGAAAATATTTTTCAAGAAGACCTACCAAAT-3'
Protein context (NP_065988.1, residues 866-886): LKKENNHGII[Asp876=]SVDNDRNSTV